The following is an entry in ClinVar:

NM_001194.4(HCN2):c.1736AGA[1] (p.Lys580del)

Gene: HCN2 (hyperpolarization activated cyclic nucleotide gated potassium and sodium channel 2; plus strand). Cytogenetic location: 19p13.3.
Variant type: Microsatellite.
Coding change: c.1736AGA[1] on transcript NM_001194.4 (MANE Select); one copy of the 3-base unit AGA starting at c.1736; the reference has two copies in a row; one copy, 3 bases deleted.
Protein change: p.Lys580del; deletes lysine 580.
Genome position (GRCh38, 1-based): chr19:613,402-613,404, AGA deleted; deleting any 3 consecutive bases within chr19:613,397-613,404 gives the same sequence; the position shown is the placement nearest the transcript's 3' end. VCF-style (leftmost placement, unchanged base first): chr19-613396-GGAA-G. GRCh37 (hg19) VCF-style: chr19-613396-GGAA-G.
Other names: short protein forms K580del.
Identifiers: ClinVar variation 3774075 (VCV003774075.3).

ClinVar aggregate classification (germline): Uncertain significance. Review status: criteria provided, multiple submitters, no conflicts (2 of 4 stars). 2 submissions from 2 submitters: Uncertain significance (2). Last evaluated 2025-04-11.

Submissions (2):

GeneDx
Classification: Uncertain significance. Last evaluated: 2025-04-11. Review status: criteria provided, single submitter. Criteria: GeneDx Variant Classification Process June 2021. Collection method: clinical testing. Allele origin: germline.
Comment: Reported previously with another HCN2 variant phase unknown, in a patient with seizures and developmental regression (PMID: 38881883); Not observed at significant frequency in large population cohorts (gnomAD); In-frame deletion of 1 amino acid in a non-repeat region; In silico analysis supports a deleterious effect on protein structure/function; This variant is associated with the following publications: (PMID: 38881883)

Blueprint Genetics
Classification: Uncertain significance. Last evaluated: 2020-03-21. Review status: criteria provided, single submitter. Criteria: ACMG Guidelines, 2015. Collection method: clinical testing. Allele origin: germline.